The following is an entry in ClinVar:

ClinVar aggregate classification (germline): Uncertain significance. Review status: criteria provided, multiple submitters, no conflicts (2 of 4 stars). 2 submissions from 2 submitters: Uncertain significance (2). Last evaluated 2025-08-02.

Conditions:
Hereditary cancer-predisposing syndrome. Also called: Tumor predisposition; Neoplastic Syndromes, Hereditary; Hereditary neoplastic syndrome; Hereditary Cancer Syndrome. Identifiers: Orphanet 140162, MedGen C0027672, MeSH D009386, MONDO:0015356.
Gastrointestinal stromal tumor. Also called: Gastrointestinal stromal tumor, somatic; Gastrointestinal stroma tumor. Identifiers: Orphanet 44890, MedGen C0238198, MeSH D046152, MONDO:0011719, OMIM 606764, HP:0100723.

Submissions (2):

Ambry Genetics
Classification: Uncertain significance for Hereditary cancer-predisposing syndrome. Last evaluated: 2025-08-02. Review status: criteria provided, single submitter. Criteria: Ambry Variant Classification Scheme 2023. Collection method: clinical testing. Allele origin: germline.
Comment: The p.V598F variant (also known as c.1792G>T), located in coding exon 12 of the PDGFRA gene, results from a G to T substitution at nucleotide position 1792. The valine at codon 598 is replaced by phenylalanine, an amino acid with highly similar properties. This amino acid position is conserved. In addition, the in silico prediction for this alteration is inconclusive. Based on the available evidence, the clinical significance of this variant remains unclear.

Labcorp Genetics (formerly Invitae), Labcorp
Classification: Uncertain significance for Gastrointestinal stromal tumor. Last evaluated: 2020-01-16. Review status: criteria provided, single submitter. Criteria: Invitae Variant Classification Sherloc (09022015). Collection method: clinical testing. Allele origin: germline.
Comment: In summary, the available evidence is currently insufficient to determine the role of this variant in disease. Therefore, it has been classified as a Variant of Uncertain Significance. Algorithms developed to predict the effect of missense changes on protein structure and function (SIFT, PolyPhen-2, Align-GVGD) all suggest that this variant is likely to be tolerated, but these predictions have not been confirmed by published functional studies and their clinical significance is uncertain. This variant has not been reported in the literature in individuals with PDGFRA-related conditions. This variant is not present in population databases (ExAC no frequency). This sequence change replaces valine with phenylalanine at codon 598 of the PDGFRA protein (p.Val598Phe). The valine residue is weakly conserved and there is a small physicochemical difference between valine and phenylalanine.

NM_006206.6(PDGFRA):c.1792G>T (p.Val598Phe)

Gene: PDGFRA (platelet derived growth factor receptor alpha; plus strand). Cytogenetic location: 4q12.
Variant type: single nucleotide variant.
Coding change: c.1792G>T on transcript NM_006206.6 (MANE Select); coding-DNA position 1792, G replaced by T.
Protein change: p.Val598Phe; replaces valine 598 with phenylalanine.
Molecular consequence: missense variant.
Genome position (GRCh38, 1-based): chr4:54,277,393, G>T. VCF-style: chr4-54277393-G-T. GRCh37 (hg19) VCF-style: chr4-55143560-G-T.
Other names: c.1792G>T, p.Val598Phe (NM_001347827.2, NM_001347829.2); c.1867G>T, p.Val623Phe (NM_001347828.2); c.1831G>T, p.Val611Phe (NM_001347830.2); c.1792G>T (NM_006206.4); short protein forms V598F, V611F, V623F.
Identifiers: ClinVar variation 1052993 (VCV001052993.17), dbSNP rs1723796497, ClinGen allele CA356893336.